The following is an entry in ClinVar:

NM_000059.4(BRCA2):c.4199A>T (p.His1400Leu)

Gene: BRCA2 (BRCA2 DNA repair associated; plus strand). Cytogenetic location: 13q13.1.
Variant type: single nucleotide variant.
Coding change: c.4199A>T on transcript NM_000059.4 (MANE Select); coding-DNA position 4199, A replaced by T.
Protein change: p.His1400Leu; replaces histidine 1400 with leucine.
Molecular consequence: missense variant. On other transcripts: non-coding transcript variant (1), intron variant (2).
Genome position (GRCh38, 1-based): chr13:32,338,554, A>T. VCF-style: chr13-32338554-A-T. GRCh37 (hg19) VCF-style: chr13-32912691-A-T.
Other names: c.4199A>T, p.His1400Leu (NM_001406719.1, NM_001406720.1, NM_001432077.1); c.1909+5167A>T (NM_001406721.1); c.425-6004A>T (NM_001406722.1); short protein forms H1400L.
Identifiers: ClinVar variation 3825437 (VCV003825437.1).

ClinVar aggregate classification (germline): Uncertain significance (1 of 4 stars; one submission).

Conditions:
Hereditary cancer-predisposing syndrome. Also called: Hereditary neoplastic syndrome; Neoplastic Syndromes, Hereditary; Tumor predisposition; Hereditary Cancer Syndrome. Identifiers: Orphanet 140162, MedGen C0027672, MeSH D009386, MONDO:0015356.

gnomAD v4.1: 1 of 1,598,120 alleles (0.000063%); highest among the groups gnomAD compares: Non-Finnish European, 0.000085%; no homozygotes.

Submission:

Ambry Genetics
Classification: Uncertain significance for Hereditary cancer-predisposing syndrome. Last evaluated: 2025-01-17. Review status: criteria provided, single submitter. Criteria: Ambry Variant Classification Scheme 2023. Collection method: clinical testing. Allele origin: germline.
Comment: The p.H1400L variant (also known as c.4199A>T), located in coding exon 10 of the BRCA2 gene, results from an A to T substitution at nucleotide position 4199. The histidine at codon 1400 is replaced by leucine, an amino acid with similar properties. This amino acid position is conserved. In addition, this alteration is predicted to be tolerated by in silico analysis. Based on the available evidence, the clinical significance of this variant remains unclear.